The following is an entry in ClinVar:

NM_003560.4(PLA2G6):c.116G>A (p.Arg39Gln)

Gene: PLA2G6 (phospholipase A2 group VI; minus strand). Cytogenetic location: 22q13.1.
Variant type: single nucleotide variant.
Coding change: c.116G>A on transcript NM_003560.4 (MANE Select); coding-DNA position 116, G replaced by A.
Protein change: p.Arg39Gln; replaces arginine 39 with glutamine.
Molecular consequence: missense variant. On other transcripts: 5 prime UTR variant (3).
Genome position (GRCh38, 1-based): chr22:38,169,311, C>T on the plus strand (G>A on the coding strand, the complement: PLA2G6 is on the minus strand). VCF-style: chr22-38169311-C-T. GRCh37 (hg19) VCF-style: chr22-38565318-C-T.
Other names: NM_003560.4(PLA2G6):c.116G>A; p.Arg39Gln; c.116G>A, p.Arg39Gln (NM_001004426.3, NM_001199562.3, NM_001349864.2 and 2 more transcripts); c.-550G>A (NM_001349867.2, NM_001349869.2); c.-375G>A (NM_001349868.2); short protein forms R39Q.
Identifiers: ClinVar variation 1034007 (VCV001034007.6), dbSNP rs144910769, ClinGen allele CA10231371.

ClinVar aggregate classification (germline): Conflicting classifications of pathogenicity. Review status: criteria provided, conflicting classifications (1 of 4 stars). 4 submissions from 4 submitters: Pathogenic (1); Uncertain significance (3). Last evaluated 2025-09-27.

Conditions:
PLA2G6-associated neurodegeneration (PLAN). Also called: phospholipase A2-associated neurodegeneration. Identifiers: Orphanet 329303, MedGen CN204472, MONDO:0017998.
Infantile neuroaxonal dystrophy (NBIA2A). Also called: Infantile neuroaxonal dystrophy 1; NEURODEGENERATION WITH BRAIN IRON ACCUMULATION 2A; SEITELBERGER DISEASE. Identifiers: Orphanet 35069, MedGen C0270724, MONDO:0024457, OMIM 256600.
Autosomal recessive Parkinson disease 14. Also called: PARKINSON DISEASE 14; DYSTONIA-PARKINSONISM, ADULT-ONSET. Identifiers: Orphanet 199351, MedGen C2751842, MONDO:0013060, OMIM 612953.
Neurodegeneration with brain iron accumulation 2B. Also called: aNAD; atypical Neuroaxonal Dystrophy (aNAD); NEUROAXONAL DYSTROPHY, ATYPICAL; NEURODEGENERATION WITH BRAIN IRON ACCUMULATION, PLA2G6-RELATED. Identifiers: Orphanet 35069, MedGen C1857747, MONDO:0012444, OMIM 610217.

Allele frequency attached by ClinVar (database versions not stated): ExAC 0.00002; gnomAD exomes 0.00003; ESP Exome Variant Server 0.00008; TOPMed 0.00002; gnomAD 0.00003.
gnomAD v4.1: 52 of 1,614,198 alleles (0.0032%); highest among the groups gnomAD compares: Non-Finnish European, 0.0038%; no homozygotes.

Submissions (4):

Labcorp Genetics (formerly Invitae), Labcorp
Classification: Pathogenic for Infantile neuroaxonal dystrophy. Last evaluated: 2025-09-27. Review status: criteria provided, single submitter. Criteria: Invitae Variant Classification Sherloc (09022015). Collection method: clinical testing. Allele origin: germline.
Comment: This sequence change replaces arginine, which is basic and polar, with glutamine, which is neutral and polar, at codon 39 of the PLA2G6 protein (p.Arg39Gln). This variant is present in population databases (rs144910769, gnomAD 0.005%). This missense change has been observed in individual(s) with PLA2G6-related conditions (PMID: 19138334, 35911906, 37453004). In at least one individual the data is consistent with being in trans (on the opposite chromosome) from a pathogenic variant. ClinVar contains an entry for this variant (Variation ID: 1034007). Invitae Evidence Modeling of protein sequence and biophysical properties (such as structural, functional, and spatial information, amino acid conservation, physicochemical variation, residue mobility, and thermodynamic stability) indicates that this missense variant is not expected to disrupt PLA2G6 protein function with a negative predictive value of 80%. For these reasons, this variant has been classified as Pathogenic.

Broad Center for Mendelian Genomics, Broad Institute of MIT and Harvard
Classification: Uncertain significance for PLA2G6-associated neurodegeneration. Last evaluated: 2023-01-24. Review status: criteria provided, single submitter. Criteria: ACMG Guidelines, 2015. Collection method: curation. Allele origin: germline. Inheritance: Autosomal recessive inheritance.
Comment: The p.Arg39Gln variant in PLA2G6 has been reported in 1 individual, in the compound heterozygous state, with PLA2G6-associated neurodegeneration (PMID: 19138334) and has been identified in 0.005% (6/113414) of European (non-Finnish) chromosomes by the Genome Aggregation Database (gnomAD; dbSNP ID: rs144910769). Although this variant has been seen in the general population in a heterozygous state, its frequency is low enough to be consistent with a recessive carrier frequency. This variant has also been reported in ClinVar (Variation ID#: 1034007) and has been interpreted as a variant of uncertain significance by Baylor Genetics and Invitae. Computational prediction tools, including splice predictors, and conservation analyses suggest that this variant may not impact the protein, though this information is not predictive enough to rule out pathogenicity. In summary, the clinical significance of the p.Arg39Gln variant is uncertain. ACMG/AMP Criteria applied: BP4, PM2_supporting (Richards 2015).

Fulgent Genetics
Classification: Uncertain significance for Infantile neuroaxonal dystrophy; Neurodegeneration with brain iron accumulation 2B; Autosomal recessive Parkinson disease 14. Last evaluated: 2021-10-07. Review status: criteria provided, single submitter. Criteria: ACMG Guidelines, 2015. Collection method: clinical testing. Allele origin: unknown.

Baylor Genetics
Classification: Uncertain significance for Infantile neuroaxonal dystrophy. Last evaluated: 2018-03-14. Review status: criteria provided, single submitter. Criteria: ACMG Guidelines, 2015. Collection method: clinical testing. Allele origin: unknown. Affected: yes.
Comment: This variant was determined to be of uncertain significance according to ACMG Guidelines, 2015 [PMID:25741868].

Literature cited by the submitters: PubMed 19138334 (cited by Labcorp Genetics (formerly Invitae), Labcorp); PubMed 35911906 (cited by Labcorp Genetics (formerly Invitae), Labcorp); PubMed 37453004 (cited by Labcorp Genetics (formerly Invitae), Labcorp).